The following is an entry in ClinVar:

ClinVar aggregate classification (germline): Pathogenic. Review status: criteria provided, multiple submitters, no conflicts (2 of 4 stars). 3 submissions from 3 submitters: Pathogenic (2). 1 of the submissions does not count toward it. Last evaluated 2022-12-25.

Conditions:
Autism spectrum disorder - epilepsy - arthrogryposis syndrome (AMRS). Identifiers: Orphanet 370943, MedGen C3809910, MONDO:0014248, OMIM 615553.

Allele frequency attached by ClinVar (database versions not stated): gnomAD exomes below 0.00001.
gnomAD v4.1: 6 of 1,575,736 alleles (0.00038%); highest among the groups gnomAD compares: Non-Finnish European, 0.00026%; no homozygotes.

Submissions (3):

Labcorp Genetics (formerly Invitae), Labcorp
Classification: Pathogenic for Autism spectrum disorder - epilepsy - arthrogryposis syndrome. Last evaluated: 2022-12-25. Review status: criteria provided, single submitter. Criteria: Invitae Variant Classification Sherloc (09022015). Collection method: clinical testing. Allele origin: germline.
Comment: This sequence change creates a premature translational stop signal (p.Gln172*) in the SLC35A3 gene. It is expected to result in an absent or disrupted protein product. Loss-of-function variants in SLC35A3 are known to be pathogenic (PMID: 24031089, 28328131). This variant is not present in population databases (gnomAD no frequency). This premature translational stop signal has been observed in individual(s) with SLC35A3-related conditions (PMID: 24031089). ClinVar contains an entry for this variant (Variation ID: 89029). For these reasons, this variant has been classified as Pathogenic.

Women's Health and Genetics/Laboratory Corporation of America, LabCorp
Classification: Pathogenic for Autism spectrum disorder - epilepsy - arthrogryposis syndrome. Last evaluated: 2022-03-28. Review status: criteria provided, single submitter. Criteria: LabCorp Variant Classification Summary - May 2015. Collection method: clinical testing. Allele origin: germline.
Comment: Variant summary: SLC35A3 c.514C>T (p.Gln172X) results in a premature termination codon, predicted to cause a truncation of the encoded protein or absence of the protein due to nonsense mediated decay, which are commonly known mechanisms for disease. Truncations downstream of this position have been classified as pathogenic by our laboratory. The variant was absent in 239390 control chromosomes. c.514C>T has been reported in the literature in multiple individuals from a large kindred affected with autism spectrum disorder, epilepsy and arthrogryposis (Edvardson_2013). These data indicate that the variant is very likely to be associated with disease. To our knowledge, no experimental evidence demonstrating an impact on protein function has been reported. No clinical diagnostic laboratories have submitted clinical-significance assessments for this variant to ClinVar after 2014. Based on the evidence outlined above, the variant was classified as pathogenic.

OMIM
Classification: Pathogenic for ARTHROGRYPOSIS, IMPAIRED INTELLECTUAL DEVELOPMENT, AND SEIZURES. Last evaluated: 2013-11-01. Review status: no assertion criteria provided. Collection method: literature only. Allele origin: germline. Not counted in ClinVar's aggregate classification.

Literature cited by the submitters: PubMed 24031089 (cited by 3 submitters); PubMed 28328131 (cited by Labcorp Genetics (formerly Invitae), Labcorp).

NM_012243.3(SLC35A3):c.514C>T (p.Gln172Ter)

Gene: SLC35A3 (solute carrier family 35 member A3; plus strand). Cytogenetic location: 1p21.2.
Variant type: single nucleotide variant.
Coding change: c.514C>T on transcript NM_012243.3 (MANE Select); coding-DNA position 514, C replaced by T.
Protein change: p.Gln172Ter; replaces glutamine 172 with a stop codon.
Molecular consequence: nonsense.
Genome position (GRCh38, 1-based): chr1:100,011,413, C>T. VCF-style: chr1-100011413-C-T. GRCh37 (hg19) VCF-style: chr1-100476969-C-T.
Other names: c.514C>T, p.Gln172Ter (NM_001271684.2); c.640C>T, p.Gln214Ter (NM_001271685.2); short protein forms Q172*, Q214*.
Identifiers: ClinVar variation 89029 (VCV000089029.12), dbSNP rs398122524, ClinGen allele CA145445.